The following is an entry in ClinVar:

ClinVar aggregate classification (germline): Uncertain significance (1 of 4 stars; one submission).

Submission:

GeneDx
Classification: Uncertain significance. Last evaluated: 2025-05-31. Review status: criteria provided, single submitter. Criteria: GeneDx Variant Classification Process June 2021. Collection method: clinical testing. Allele origin: germline. Affected: yes.
Comment: Not observed at significant frequency in large population cohorts (gnomAD); In silico analysis suggests that this missense variant does not alter protein structure/function; Has not been previously published as pathogenic or benign to our knowledge; This substitution is predicted to be within transmembrane segment S5 of the fourth homologous domain

NM_001330260.2(SCN8A):c.4978C>A (p.Leu1660Met)

Gene: SCN8A (sodium voltage-gated channel alpha subunit 8; plus strand). Cytogenetic location: 12q13.13.
Variant type: single nucleotide variant.
Coding change: c.4978C>A on transcript NM_001330260.2 (MANE Select); coding-DNA position 4978, C replaced by A.
Protein change: p.Leu1660Met; replaces leucine 1660 with methionine.
Molecular consequence: missense variant.
Genome position (GRCh38, 1-based): chr12:51,806,464, C>A. VCF-style: chr12-51806464-C-A. GRCh37 (hg19) VCF-style: chr12-52200248-C-A.
Other names: c.4855C>A, p.Leu1619Met (NM_001177984.3, NM_001369788.1); c.4978C>A, p.Leu1660Met (NM_014191.4); short protein forms L1619M, L1660M.
Identifiers: ClinVar variation 4532758 (VCV004532758.1).